The following is an entry in ClinVar:

NM_032595.5(PPP1R9B):c.384C>G (p.Pro128=)

Genes: PPP1R9B (protein phosphatase 1 regulatory subunit 9B; minus strand), LOC130061148 (ATAC-STARR-seq lymphoblastoid silent region 8684; plus strand). Cytogenetic location: 17q21.33.
Variant type: single nucleotide variant.
Coding change: c.384C>G on transcript NM_032595.5 (MANE Select); coding-DNA position 384, C replaced by G.
Protein change: p.Pro128=; no amino-acid change (proline 128 retained).
Molecular consequence: synonymous variant.
Genome position (GRCh38, 1-based): chr17:50,150,130, G>C on the plus strand (C>G on the coding strand, the complement: PPP1R9B is on the minus strand). VCF-style: chr17-50150130-G-C. GRCh37 (hg19) VCF-style: chr17-48227491-G-C.
Identifiers: ClinVar variation 4998242 (VCV004998242.1).

ClinVar aggregate classification (germline): Likely benign (1 of 4 stars; one submission).

Conditions:
PPP1R9B-related disorder. Also called: PPP1R9B-related condition.

gnomAD v4.1: 1 of 1,416,568 alleles (0.000071%); highest among the groups gnomAD compares: Non-Finnish European, 0.000092%; no homozygotes.

Submission:

PreventionGenetics, part of Exact Sciences
Classification: Likely benign for PPP1R9B-related condition. Last evaluated: 2025-06-08. Review status: criteria provided, single submitter. Criteria: ACMG Guidelines, 2015. Collection method: clinical testing. Allele origin: germline.
Comment: This variant is classified as likely benign based on ACMG/AMP sequence variant interpretation guidelines (Richards et al. 2015 PMID: 25741868, with internal and published modifications).